The following is an entry in ClinVar:

NM_006267.5(RANBP2):c.1765C>G (p.Leu589Val)

Gene: RANBP2 (RAN binding protein 2; plus strand). Cytogenetic location: 2q13.
Variant type: single nucleotide variant.
Coding change: c.1765C>G on transcript NM_006267.5 (MANE Select); coding-DNA position 1765, C replaced by G.
Protein change: p.Leu589Val; replaces leucine 589 with valine.
Molecular consequence: missense variant.
Genome position (GRCh38, 1-based): chr2:108,753,007, C>G. VCF-style: chr2-108753007-C-G. GRCh37 (hg19) VCF-style: chr2-109369463-C-G.
Other names: short protein forms L589V.
Identifiers: ClinVar variation 938941 (VCV000938941.8), dbSNP rs560012069, ClinGen allele CA1822442.
Genomic context (GRCh38, chr2:108,753,007, plus strand): 5'-TCTAATCATGCGTGTTCCTTAAAGTTGTGTGCTTTTAACTTTCTTTTTTAGGGCAGCGGT[C>G]TTAATTCTTTTTATGATCAACGAGAATACATAGGGAGAAGTGTTCATTATTGGAAGAAAG-3'
Protein context (NP_006258.3, residues 579-599): AECLQKTGSG[Leu589Val]NSFYDQREYI

ClinVar aggregate classification (germline): Uncertain significance. Review status: criteria provided, multiple submitters, no conflicts (2 of 4 stars). 2 submissions from 2 submitters: Uncertain significance (2). Last evaluated 2026-01-12.

Conditions:
Familial acute necrotizing encephalopathy (IIAE3). Also called: ENCEPHALOPATHY, ACUTE, INFECTION-INDUCED, SUSCEPTIBILITY TO, 3; Susceptibility to Acute Necrotizing Encephalopathy 1. Identifiers: Orphanet 88619, MedGen C2675556, MONDO:0011953, OMIM 608033.

Allele frequency attached by ClinVar (database versions not stated): gnomAD below 0.00001 and 0.00005; TOPMed below 0.00001; gnomAD exomes 0.00008; ExAC 0.00015; 1000 Genomes Project 30x 0.00016; 1000 Genomes Project 0.00020.
gnomAD v4.1: 96 of 1,608,472 alleles (0.006%); highest among the groups gnomAD compares: South Asian, 0.11%; 1 homozygote.

Submissions (2):

Labcorp Genetics (formerly Invitae), Labcorp
Classification: Uncertain significance for Familial acute necrotizing encephalopathy. Last evaluated: 2026-01-12. Review status: criteria provided, single submitter. Criteria: Invitae Variant Classification Sherloc (09022015). Collection method: clinical testing. Allele origin: germline.
Comment: This sequence change replaces leucine, which is neutral and non-polar, with valine, which is neutral and non-polar, at codon 589 of the RANBP2 protein (p.Leu589Val). This variant is present in population databases (rs560012069, gnomAD 0.06%), and has an allele count higher than expected for a pathogenic variant. This variant has not been reported in the literature in individuals affected with RANBP2-related conditions. ClinVar contains an entry for this variant (Variation ID: 938941). An algorithm developed to predict the effect of missense changes on protein structure and function (PolyPhen-2) suggests that this variant is likely to be tolerated. In summary, the available evidence is currently insufficient to determine the role of this variant in disease. Therefore, it has been classified as a Variant of Uncertain Significance.

Ambry Genetics
Classification: Uncertain significance. Last evaluated: 2024-02-05. Review status: criteria provided, single submitter. Criteria: Ambry Variant Classification Scheme 2023. Collection method: clinical testing. Allele origin: germline.